The following is an entry in ClinVar:

ClinVar aggregate classification (germline): Uncertain significance. Review status: criteria provided, multiple submitters, no conflicts (2 of 4 stars). 2 submissions from 2 submitters: Uncertain significance (2). Last evaluated 2024-05-15.

Conditions:
Bardet-Biedl syndrome (BBS). Identifiers: Orphanet 110, MedGen C0752166, MONDO:0015229.
Bardet-Biedl syndrome 4 (BBS4). Identifiers: Orphanet 110, MedGen C2936864, MONDO:0014433, OMIM 615982.

gnomAD v4.1: 7 of 1,614,250 alleles (0.00043%); highest among the groups gnomAD compares: South Asian, 0.0033%; no homozygotes.

Submissions (2):

Fulgent Genetics
Classification: Uncertain significance for Bardet-Biedl syndrome 4. Last evaluated: 2024-05-15. Review status: criteria provided, single submitter. Criteria: ACMG Guidelines, 2015. Collection method: clinical testing. Allele origin: germline.

Labcorp Genetics (formerly Invitae), Labcorp
Classification: Uncertain significance for Bardet-Biedl syndrome. Last evaluated: 2022-06-03. Review status: criteria provided, single submitter. Criteria: Invitae Variant Classification Sherloc (09022015). Collection method: clinical testing. Allele origin: germline.
Comment: This sequence change replaces serine, which is neutral and polar, with glycine, which is neutral and non-polar, at codon 457 of the BBS4 protein (p.Ser457Gly). This variant is present in population databases (rs773209808, gnomAD 0.006%). This variant has not been reported in the literature in individuals affected with BBS4-related conditions. ClinVar contains an entry for this variant (Variation ID: 851407). Algorithms developed to predict the effect of missense changes on protein structure and function output the following: SIFT: "Tolerated"; PolyPhen-2: "Benign"; Align-GVGD: "Class C0". The glycine amino acid residue is found in multiple mammalian species, which suggests that this missense change does not adversely affect protein function. In summary, the available evidence is currently insufficient to determine the role of this variant in disease. Therefore, it has been classified as a Variant of Uncertain Significance.

NM_033028.5(BBS4):c.1369A>G (p.Ser457Gly)

Gene: BBS4 (Bardet-Biedl syndrome 4; plus strand). Cytogenetic location: 15q24.1.
Variant type: single nucleotide variant.
Coding change: c.1369A>G on transcript NM_033028.5 (MANE Select); coding-DNA position 1369, A replaced by G.
Protein change: p.Ser457Gly; replaces serine 457 with glycine.
Molecular consequence: missense variant. On other transcripts: non-coding transcript variant (2).
Genome position (GRCh38, 1-based): chr15:72,736,882, A>G. VCF-style: chr15-72736882-A-G. GRCh37 (hg19) VCF-style: chr15-73029223-A-G.
Other names: c.853A>G, p.Ser285Gly (NM_001252678.2); c.1300A>G, p.Ser434Gly (NM_001320665.2); short protein forms S285G, S434G, S457G.
Identifiers: ClinVar variation 851407 (VCV000851407.8), dbSNP rs773209808, ClinGen allele CA7647009.